The following is an entry in ClinVar:

NM_000321.3(RB1):c.530C>G (p.Pro177Arg)

Gene: RB1 (RB transcriptional corepressor 1; plus strand). Cytogenetic location: 13q14.2.
Variant type: single nucleotide variant.
Coding change: c.530C>G on transcript NM_000321.3 (MANE Select); coding-DNA position 530, C replaced by G.
Protein change: p.Pro177Arg; replaces proline 177 with arginine.
Molecular consequence: missense variant.
Genome position (GRCh38, 1-based): chr13:48,347,854, C>G. VCF-style: chr13-48347854-C-G. GRCh37 (hg19) VCF-style: chr13-48921990-C-G.
Other names: c.530C>G (NM_000321.2); short protein forms P177R.
Identifiers: ClinVar variation 1498871 (VCV001498871.11), dbSNP rs1952511945, ClinGen allele CA388156843.
Genomic context (GRCh38, chr13:48,347,854, plus strand): 5'-TGTTAAAAAGTCATAATGTTTTTCTTTTCAGGACATGTGAACTTATATATTTGACACAAC[C>G]CAGCAGTTCGTAAGTAGTTCACAGAATGTTATTTTTCACTTAAAAAAAAAGATTTTTATG-3'
Protein context (NP_000312.2, residues 167-187): RTCELIYLTQ[Pro177Arg]SSSISTEINS

ClinVar aggregate classification (germline): Uncertain significance. Review status: criteria provided, multiple submitters, no conflicts (2 of 4 stars). 2 submissions from 2 submitters: Uncertain significance (2). Last evaluated 2025-06-18.

Conditions:
Retinoblastoma (RB1). Also called: RETINOBLASTOMA, SOMATIC. Identifiers: Orphanet 790, MedGen C0035335, MeSH D012175, MONDO:0008380, OMIM 180200, HP:0009919. Disease mechanism: loss of function. Inheritance: Both sporadic and heritable forms are tested..
Hereditary cancer-predisposing syndrome. Also called: Tumor predisposition; Hereditary neoplastic syndrome; Neoplastic Syndromes, Hereditary; Hereditary Cancer Syndrome. Identifiers: Orphanet 140162, MedGen C0027672, MeSH D009386, MONDO:0015356.

gnomAD v4.1: 3 of 1,591,762 alleles (0.00019%); highest among the groups gnomAD compares: Non-Finnish European, 0.00026%; no homozygotes.

Submissions (2):

Ambry Genetics
Classification: Uncertain significance for Hereditary cancer-predisposing syndrome. Last evaluated: 2025-06-18. Review status: criteria provided, single submitter. Criteria: Ambry Variant Classification Scheme 2023. Collection method: clinical testing. Allele origin: germline.
Comment: The p.P177R variant (also known as c.530C>G), located in coding exon 5 of the RB1 gene, results from a C to G substitution at nucleotide position 530. The proline at codon 177 is replaced by arginine, an amino acid with dissimilar properties. This amino acid position is conserved. In addition, the in silico prediction for this alteration is inconclusive. Since supporting evidence is limited at this time, the clinical significance of this alteration remains unclear.

Labcorp Genetics (formerly Invitae), Labcorp
Classification: Uncertain significance for Retinoblastoma. Last evaluated: 2025-04-18. Review status: criteria provided, single submitter. Criteria: Invitae Variant Classification Sherloc (09022015). Collection method: clinical testing. Allele origin: germline.
Comment: This sequence change replaces proline, which is neutral and non-polar, with arginine, which is basic and polar, at codon 177 of the RB1 protein (p.Pro177Arg). This variant is not present in population databases (gnomAD no frequency). This variant has not been reported in the literature in individuals affected with RB1-related conditions. ClinVar contains an entry for this variant (Variation ID: 1498871). Invitae Evidence Modeling of protein sequence and biophysical properties (such as structural, functional, and spatial information, amino acid conservation, physicochemical variation, residue mobility, and thermodynamic stability) indicates that this missense variant is not expected to disrupt RB1 protein function with a negative predictive value of 80%. In summary, the available evidence is currently insufficient to determine the role of this variant in disease. Therefore, it has been classified as a Variant of Uncertain Significance.